The following is an entry in ClinVar:

NM_130810.4(DNAAF4):c.1115G>A (p.Arg372His)

Genes: DNAAF4-CCPG1 (DNAAF4-CCPG1 readthrough (NMD candidate); minus strand), DNAAF4 (dynein axonemal assembly factor 4; minus strand). Cytogenetic location: 15q21.3.
Variant type: single nucleotide variant.
Coding change: c.1115G>A on transcript NM_130810.4 (MANE Select); coding-DNA position 1115, G replaced by A.
Protein change: p.Arg372His; replaces arginine 372 with histidine.
Molecular consequence: missense variant. On other transcripts: non-coding transcript variant (1), intron variant (2).
Genome position (GRCh38, 1-based): chr15:55,432,535, C>T on the plus strand (G>A on the coding strand, the complement: DNAAF4 is on the minus strand). VCF-style: chr15-55432535-C-T. GRCh37 (hg19) VCF-style: chr15-55724733-C-T.
Other names: c.1047+2370G>A (NM_001033560.2); c.1048-1756G>A (NM_001033559.3); short protein forms R372H.
Identifiers: ClinVar variation 1306326 (VCV001306326.3), dbSNP rs974724008, ClinGen allele CA270792283.
Genomic context (GRCh38, chr15:55,432,535, plus strand): 5'-ACCATTTCTATCAATTCCTTACCTTCTACATACAATTCTAGTTGACAGAATGCTGTTCCA[C>T]GTCGTACATGTGCCTTCATTCTTGCATTAGCATTGTCTGTAACAGGTGGCATCAATAATT-3'
Protein context (NP_570722.2, residues 362-382): ANARMKAHVR[Arg372His]GTAFCQLELY

ClinVar aggregate classification (germline): Uncertain significance (1 of 4 stars; one submission).

Allele frequency attached by ClinVar (database versions not stated): gnomAD 0.00001.
gnomAD v4.1: 10 of 1,612,184 alleles (0.00062%); highest among the groups gnomAD compares: Non-Finnish European, 0.00068%; no homozygotes.

Submission:

GeneDx
Classification: Uncertain significance. Last evaluated: 2025-09-12. Review status: criteria provided, single submitter. Criteria: GeneDx Variant Classification Process June 2021. Collection method: clinical testing. Allele origin: germline. Affected: yes.
Comment: In silico analysis supports that this missense variant has a deleterious effect on protein structure/function; Not observed at significant frequency in large population cohorts (gnomAD); Has not been previously published as pathogenic or benign to our knowledge